The following is an entry in ClinVar:

NM_000321.3(RB1):c.1494T>C (p.Tyr498=)

Gene: RB1 (RB transcriptional corepressor 1; plus strand). Cytogenetic location: 13q14.2.
Variant type: single nucleotide variant.
Coding change: c.1494T>C on transcript NM_000321.3 (MANE Select); coding-DNA position 1494, T replaced by C.
Protein change: p.Tyr498=; no amino-acid change (tyrosine 498 retained).
Molecular consequence: synonymous variant.
Genome position (GRCh38, 1-based): chr13:48,380,237, T>C. VCF-style: chr13-48380237-T-C. GRCh37 (hg19) VCF-style: chr13-48954373-T-C.
Identifiers: ClinVar variation 704926 (VCV000704926.15), dbSNP rs768929728, ClinGen allele CA028938.

ClinVar aggregate classification (germline): Benign/Likely benign. Review status: criteria provided, multiple submitters, no conflicts (2 of 4 stars). 5 submissions from 5 submitters: Benign (2); Likely benign (3). Last evaluated 2026-06-24.

Conditions:
Retinoblastoma (RB1). Also called: RETINOBLASTOMA, SOMATIC. Identifiers: Orphanet 790, MedGen C0035335, MeSH D012175, MONDO:0008380, OMIM 180200, HP:0009919. Disease mechanism: loss of function. Inheritance: Both sporadic and heritable forms are tested..
Hereditary cancer-predisposing syndrome. Also called: Hereditary Cancer Syndrome; Hereditary neoplastic syndrome; Neoplastic Syndromes, Hereditary; Tumor predisposition. Identifiers: Orphanet 140162, MedGen C0027672, MeSH D009386, MONDO:0015356.

Allele frequency attached by ClinVar (database versions not stated): gnomAD exomes 0.00001 and below 0.00001; ExAC 0.00001; TOPMed 0.00001.
gnomAD v4.1: 6 of 1,590,214 alleles (0.00038%); highest among the groups gnomAD compares: East Asian, 0.0067%; no homozygotes.

Submissions (5):

Myriad Genetics, Inc.
Classification: Benign for Retinoblastoma. Last evaluated: 2026-06-24. Review status: criteria provided, single submitter. Criteria: Myriad Autosomal Dominant, Autosomal Recessive and X-Linked Classification Criteria (2023). Collection method: clinical testing. Allele origin: unknown.
Comment: This variant is considered benign. This variant is a silent/synonymous amino acid change and it is not expected to impact splicing.

Labcorp Genetics (formerly Invitae), Labcorp
Classification: Benign for Retinoblastoma. Last evaluated: 2026-01-04. Review status: criteria provided, single submitter. Criteria: Invitae Variant Classification Sherloc (09022015). Collection method: clinical testing. Allele origin: germline.

All of Us Research Program, National Institutes of Health
Classification: Likely benign for Retinoblastoma. Last evaluated: 2023-12-18. Review status: criteria provided, single submitter. Criteria: ACMG Guidelines, 2015. Collection method: clinical testing. Allele origin: germline. Inheritance: Autosomal dominant inheritance. Observed: 4 variant alleles, 4 heterozygotes.
Comment: This study involves interpretation of variants in research participants for the purpose of population health screening. Participant phenotype was not available at the time of variant classification. Additional details can be found in publication PMID: 35346344, PMCID: PMC8962531

Color Diagnostics, LLC DBA Color Health
Classification: Likely benign for Retinoblastoma. Last evaluated: 2022-04-29. Review status: criteria provided, single submitter. Criteria: ACMG Guidelines, 2015. Collection method: clinical testing. Allele origin: germline.

Ambry Genetics
Classification: Likely benign for Hereditary cancer-predisposing syndrome. Last evaluated: 2020-01-21. Review status: criteria provided, single submitter. Criteria: Ambry Variant Classification Scheme 2023. Collection method: clinical testing. Allele origin: germline.